The following is an entry in ClinVar:

NM_004006.3(DMD):c.*1285C>A

Gene: DMD (dystrophin; minus strand). Cytogenetic location: Xp21.2.
Variant type: single nucleotide variant.
Coding change: c.*1285C>A on transcript NM_004006.3 (MANE Select); 1285 bases downstream of the stop codon, C replaced by A.
Molecular consequence: 3 prime UTR variant.
Genome position (GRCh38, 1-based): chrX:31,120,634, G>T on the plus strand (C>A on the coding strand, the complement: DMD is on the minus strand). VCF-style: chrX-31120634-G-T. GRCh37 (hg19) VCF-style: chrX-31138751-G-T.
Other names: c.*1285C>A (NM_000109.4, NM_004009.3, NM_004010.3 and 7 more transcripts); c.*1199C>A (NM_004016.3, NM_004018.3, NM_004021.3 and 2 more transcripts).
Identifiers: ClinVar variation 368217 (VCV000368217.5), dbSNP rs142110702, ClinGen allele CA10653892.

ClinVar aggregate classification (germline): Benign (1 of 4 stars; one submission).

Conditions:
Dilated cardiomyopathy 3B (CMD3B). Also called: CMD3B: DMD-Related Dilated Cardiomyopathy; CARDIOMYOPATHY, DILATED, X-LINKED; DMD-Associated Dilated Cardiomyopathy. Identifiers: Orphanet 154, MedGen C3668940, MONDO:0010542, OMIM 302045.

Allele frequency attached by ClinVar (database versions not stated): gnomAD 0.01989 and 0.02124; 1000 Genomes Project 0.02199; TOPMed 0.02257; 1000 Genomes Project 30x 0.02268.

Submission:

Illumina Laboratory Services, Illumina
Classification: Benign for Dilated cardiomyopathy 3B. Last evaluated: 2018-01-13. Review status: criteria provided, single submitter. Criteria: ICSL Variant Classification Criteria 13 December 2019. Collection method: clinical testing. Allele origin: germline.
Comment: This variant was observed in the ICSL laboratory as part of a predisposition screen in an ostensibly healthy population. It had not been previously curated by ICSL or reported in the Human Gene Mutation Database (HGMD: prior to June 1st, 2018), and was therefore a candidate for classification through an automated scoring system. Utilizing variant allele frequency, disease prevalence and penetrance estimates, and inheritance mode, an automated score was calculated to assess if this variant is too frequent to cause the disease. Based on the score and internal cut-off values, a variant classified as benign is not then subjected to further curation. The score for this variant resulted in a classification of benign for this disease.